The following is an entry in ClinVar:

ClinVar aggregate classification (germline): Uncertain significance (1 of 4 stars; one submission).

Conditions:
Hypertrophic cardiomyopathy. Also called: HYPERTROPHIC MYOCARDIOPATHY. Identifiers: Orphanet 217569, MedGen C0007194, MeSH D002312, MONDO:0005045, HP:0001639.

gnomAD v4.1: 2 of 1,613,588 alleles (0.00012%); highest among the groups gnomAD compares: Non-Finnish European, 0.00017%; no homozygotes.

Submission:

Labcorp Genetics (formerly Invitae), Labcorp
Classification: Uncertain significance for Hypertrophic cardiomyopathy. Last evaluated: 2024-12-30. Review status: criteria provided, single submitter. Criteria: Invitae Variant Classification Sherloc (09022015). Collection method: clinical testing. Allele origin: germline.
Comment: This sequence change replaces threonine, which is neutral and polar, with methionine, which is neutral and non-polar, at codon 44 of the MYOM1 protein (p.Thr44Met). This variant is not present in population databases (gnomAD no frequency). This variant has not been reported in the literature in individuals affected with MYOM1-related conditions. An algorithm developed to predict the effect of missense changes on protein structure and function (PolyPhen-2) suggests that this variant is likely to be tolerated. In summary, the available evidence is currently insufficient to determine the role of this variant in disease. Therefore, it has been classified as a Variant of Uncertain Significance.

NM_003803.4(MYOM1):c.131C>T (p.Thr44Met)

Gene: MYOM1 (myomesin 1; minus strand). Cytogenetic location: 18p11.31.
Variant type: single nucleotide variant.
Coding change: c.131C>T on transcript NM_003803.4 (MANE Select); coding-DNA position 131, C replaced by T.
Protein change: p.Thr44Met; replaces threonine 44 with methionine.
Molecular consequence: missense variant.
Genome position (GRCh38, 1-based): chr18:3,215,093, G>A on the plus strand (C>T on the coding strand, the complement: MYOM1 is on the minus strand). VCF-style: chr18-3215093-G-A. GRCh37 (hg19) VCF-style: chr18-3215091-G-A.
Other names: c.131C>T, p.Thr44Met (NM_019856.2); short protein forms T44M.
Identifiers: ClinVar variation 3711600 (VCV003711600.2).